The following is an entry in ClinVar:

ClinVar aggregate classification (germline): Uncertain significance. Review status: criteria provided, multiple submitters, no conflicts (2 of 4 stars). 2 submissions from 2 submitters: Uncertain significance (2). Last evaluated 2026-04-01.

Conditions:
Cardiovascular phenotype. Identifiers: MedGen CN230736.

Submissions (2):

Ambry Genetics
Classification: Uncertain significance for Cardiovascular phenotype. Last evaluated: 2026-04-01. Review status: criteria provided, single submitter. Criteria: Ambry Variant Classification Scheme 2023. Collection method: clinical testing. Allele origin: germline.

Dasa
Classification: Uncertain significance. Last evaluated: 2025-11-09. Review status: criteria provided, single submitter. Criteria: DASA Assertion Criteria. Collection method: clinical testing. Allele origin: germline.
Comment: NM_000088.4(COL1A1):c.4072A>C (p.Met1358Leu) is a missense variant that results in the substitution of methionine with leucine. This variant is absent from population databases. The currently available literature and clinical evidence are not sufficient to establish a definitive association between this variant and the reported condition. Therefore, this variant is classified as a variant of uncertain significance.

NM_000088.4(COL1A1):c.4072A>C (p.Met1358Leu)

Gene: COL1A1 (collagen type I alpha 1 chain; minus strand). Cytogenetic location: 17q21.33.
Variant type: single nucleotide variant.
Coding change: c.4072A>C on transcript NM_000088.4 (MANE Select); coding-DNA position 4072, A replaced by C.
Protein change: p.Met1358Leu; replaces methionine 1358 with leucine.
Molecular consequence: missense variant.
Genome position (GRCh38, 1-based): chr17:50,185,954, T>G on the plus strand (A>C on the coding strand, the complement: COL1A1 is on the minus strand). VCF-style: chr17-50185954-T-G. GRCh37 (hg19) VCF-style: chr17-48263315-T-G.
Other names: short protein forms M1358L.
Identifiers: ClinVar variation 4869119 (VCV004869119.3).